The following is an entry in ClinVar:

NM_014806.5(RUSC2):c.2746C>T (p.Arg916Ter)

Gene: RUSC2 (RUN and SH3 domain containing 2; plus strand). Cytogenetic location: 9p13.3.
Variant type: single nucleotide variant.
Coding change: c.2746C>T on transcript NM_014806.5 (MANE Select); coding-DNA position 2746, C replaced by T.
Protein change: p.Arg916Ter; replaces arginine 916 with a stop codon.
Molecular consequence: nonsense. On other transcripts: non-coding transcript variant (1).
Genome position (GRCh38, 1-based): chr9:35,556,041, C>T. VCF-style: chr9-35556041-C-T. GRCh37 (hg19) VCF-style: chr9-35556038-C-T.
Other names: c.2746C>T, p.Arg916Ter (NM_001135999.2); c.112C>T, p.Arg38Ter (NM_001330740.2); short protein forms R916*, R38*.
Identifiers: ClinVar variation 1452261 (VCV001452261.6), dbSNP rs1822010348, ClinGen allele CA373344759.
Genomic context (GRCh38, chr9:35,556,041, plus strand): 5'-TGGCGGGAATACAGGAGGAAGAACCCACTAGGGCCACCTGGTTTGTCAGGGAGCCTAGAC[C>T]GAAGATCACAAGAAGCTCGGCTGGCCCGAAGAAACCCTATCTTTGAGTTCCCTGGCTCCC-3'

ClinVar aggregate classification (germline): Pathogenic (1 of 4 stars; one submission).

Allele frequency attached by ClinVar (database versions not stated): gnomAD exomes below 0.00001; gnomAD 0.00001.

Submission:

Labcorp Genetics (formerly Invitae), Labcorp
Classification: Pathogenic. Last evaluated: 2021-10-10. Review status: criteria provided, single submitter. Criteria: Invitae Variant Classification Sherloc (09022015). Collection method: clinical testing. Allele origin: germline.
Comment: For these reasons, this variant has been classified as Pathogenic. This variant has not been reported in the literature in individuals affected with RUSC2-related conditions. This variant is not present in population databases (ExAC no frequency). This sequence change creates a premature translational stop signal (p.Arg916*) in the RUSC2 gene. It is expected to result in an absent or disrupted protein product. Loss-of-function variants in RUSC2 are known to be pathogenic (PMID: 27612186).

Literature cited by the submitters: PubMed 27612186.